The following is an entry in ClinVar:

ClinVar aggregate classification (germline): Pathogenic (1 of 4 stars; one submission).

Conditions:
Sjögren-Larsson syndrome (SLS). Also called: FALDH DEFICIENCY; FATTY ALCOHOL:NAD+ OXIDOREDUCTASE DEFICIENCY; FATTY ALDEHYDE DEHYDROGENASE DEFICIENCY; ICHTHYOSIS, SPASTIC NEUROLOGIC DISORDER, AND OLIGOPHRENIA. Identifiers: Orphanet 816, MedGen C0037231, MONDO:0010031, OMIM 270200.

Submission:

Natera, Inc.
Classification: Pathogenic for Sjögren-Larsson syndrome. Last evaluated: 2024-03-04. Review status: criteria provided, single submitter. Criteria: Natera Variant Classification Schema (03/2026). Collection method: clinical testing. Allele origin: germline.
Comment: The c.1242_1243delTA variant in ALDH3A2 is a frameshift variant predicted to shift the reading frame beginning at codon 414 and leads to a stop codon 3 codons downstream. This variant is expected to result in nonsense mediated decay, truncation, or a dysfunctional protein product. This variant is rare in the general population with a frequency below the threshold expected for the associated phenotype(s). This variant has been observed in one or more individuals affected with the associated recessive disease, as either homozygous or compound heterozygous with a second variant (PMID: 29375833). Given the available evidence, this variant is classified as Pathogenic.

Literature cited by the submitters: PubMed 29375833.

NM_000382.3(ALDH3A2):c.1242_1243del (p.His414fs)

Gene: ALDH3A2 (aldehyde dehydrogenase 3 family member A2; plus strand). Cytogenetic location: 17p11.2.
Variant type: Deletion.
Coding change: c.1242_1243del on transcript NM_000382.3 (MANE Select); coding-DNA positions 1242 to 1243, 2 bases deleted (TA; older notation c.1242_1243delTA).
Protein change: p.His414fs; shifts the reading frame from histidine 414.
Molecular consequence: frameshift variant. On other transcripts: intron variant (1).
Genome position (GRCh38, 1-based): chr17:19,671,755-19,671,756, TA deleted; deleting any 2 consecutive bases within chr17:19,671,754-19,671,756 gives the same sequence; the c. name uses the placement nearest the transcript's 3' end. VCF-style (leftmost placement, unchanged base first): chr17-19671753-CAT-C. GRCh37 (hg19) VCF-style: chr17-19575066-CAT-C.
Other names: c.1242_1243del, p.His414fs (NM_001031806.2, NM_001369136.1, NM_001369137.2 and 2 more transcripts); c.663_664del, p.His221fs (NM_001369148.2); c.1208-3803_1208-3802del (NM_001369146.2); short protein forms H221fs, H414fs.
Identifiers: ClinVar variation 4818278 (VCV004818278.1).